The following is an entry in ClinVar:

ClinVar aggregate classification (germline): Uncertain significance (1 of 4 stars; one submission).

Conditions:
Van Maldergem syndrome 1 (VMLDS1). Also called: Van Maldergem syndrome 1 (VMLDS1). Identifiers: Orphanet 314679, MedGen C4551950, MONDO:0011070, OMIM 601390.

gnomAD v4.1: 5 of 1,613,686 alleles (0.00031%); highest among the groups gnomAD compares: East Asian, 0.0045%; no homozygotes.

Submission:

Clinical Genomics Laboratory, Washington University in St. Louis
Classification: Uncertain significance for Van Maldergem syndrome 1. Last evaluated: 2025-08-07. Review status: criteria provided, single submitter. Criteria: ACMG Guidelines, 2015. Collection method: clinical testing. Allele origin: germline.
Comment: A DCHS1 c.7006C>T(p.Pro2336Ser) variant was identified at a near heterozygous allelic fraction of 46.2%, a frequency which may be consistent with it being of germline origin. This variant, to our knowledge, has not been reported in the medical literature. This variant is only observed in 5/1,613,686 alleles in the general population (gnomAD v4.1.0), indicating it is not a common variant. Computational predictors are uncertain as to the impact of this variant on DCHS1 function. Due to limited information, and based on ACMG/AMP guidelines for variant interpretation (Richards S et al., PMID: 25741868), the clinical significance of this variant is uncertain at this time.

NM_003737.4(DCHS1):c.7006C>T (p.Pro2336Ser)

Gene: DCHS1 (dachsous cadherin-related 1; minus strand). Cytogenetic location: 11p15.4.
Variant type: single nucleotide variant.
Coding change: c.7006C>T on transcript NM_003737.4 (MANE Select); coding-DNA position 7006, C replaced by T.
Protein change: p.Pro2336Ser; replaces proline 2336 with serine.
Molecular consequence: missense variant.
Genome position (GRCh38, 1-based): chr11:6,625,338, G>A on the plus strand (C>T on the coding strand, the complement: DCHS1 is on the minus strand). VCF-style: chr11-6625338-G-A. GRCh37 (hg19) VCF-style: chr11-6646569-G-A.
Other names: short protein forms P2336S.
Identifiers: ClinVar variation 4279879 (VCV004279879.1).
Genomic context (GRCh38, chr11:6,625,338, plus strand): 5'-GAGGCCCATCATGTGCCAGCAGCTGCAGCTGGTAGCGGTCACACTGCTCAAAGTCCAGGG[G>A]CCCCGTGAGGGAGACACGGCCTCCATAGCGGCCAACACTGAAGGGATCCTGGGGCCCAGA-3'
Protein context (NP_003728.1, residues 2326-2346): RYGGRVSLTG[Pro2336Ser]LDFEQCDRYQ